The following is an entry in ClinVar:

NM_001199138.2(NLRC4):c.106G>A (p.Glu36Lys)

Gene: NLRC4 (NLR family CARD domain containing 4; minus strand). Cytogenetic location: 2p22.3.
Variant type: single nucleotide variant.
Coding change: c.106G>A on transcript NM_001199138.2 (MANE Select); coding-DNA position 106, G replaced by A.
Protein change: p.Glu36Lys; replaces glutamic acid 36 with lysine.
Molecular consequence: missense variant.
Genome position (GRCh38, 1-based): chr2:32,252,575, C>T on the plus strand (G>A on the coding strand, the complement: NLRC4 is on the minus strand). VCF-style: chr2-32252575-C-T. GRCh37 (hg19) VCF-style: chr2-32477644-C-T.
Other names: c.106G>A, p.Glu36Lys (NM_001199139.2, NM_001302504.2, NM_021209.5); short protein forms E36K.
Identifiers: ClinVar variation 1523891 (VCV001523891.8), dbSNP rs766783309, ClinGen allele CA1602219.
Genomic context (GRCh38, chr2:32,252,575, plus strand): 5'-GAATGATCCCTCTAGCAGCATCCTGCTCCACCTTCTCGCAGCAAATGATGTTTACTTCTT[C>T]GCGATTCAGAACATTCCATACAAATAGGTCATCTGTGATTTGCTTTATAACAGTCATTCC-3'
Protein context (NP_001186067.1, residues 26-46): DLFVWNVLNR[Glu36Lys]EVNIICCEKV

ClinVar aggregate classification (germline): Uncertain significance (1 of 4 stars; one submission).

Conditions:
Familial cold autoinflammatory syndrome 4 (FCAS4). Identifiers: Orphanet 47045, Orphanet 576349, MedGen C4015276, MONDO:0014498, OMIM 616115.
Periodic fever-infantile enterocolitis-autoinflammatory syndrome. Also called: Autoinflammation with infantile enterocolitis. Identifiers: Orphanet 436166, MedGen C4015067, MONDO:0014472, OMIM 616050.

Allele frequency attached by ClinVar (database versions not stated): gnomAD exomes below 0.00001 and 0.00001; ExAC 0.00002; gnomAD 0.00002; TOPMed 0.00002.
gnomAD v4.1: 11 of 1,614,068 alleles (0.00068%); highest among the groups gnomAD compares: African/African-American, 0.0027%; no homozygotes.

Submission:

Labcorp Genetics (formerly Invitae), Labcorp
Classification: Uncertain significance for Periodic fever-infantile enterocolitis-autoinflammatory syndrome; Familial cold autoinflammatory syndrome 4. Last evaluated: 2021-03-24. Review status: criteria provided, single submitter. Criteria: Invitae Variant Classification Sherloc (09022015). Collection method: clinical testing. Allele origin: germline.
Comment: This sequence change replaces glutamic acid with lysine at codon 36 of the NLRC4 protein (p.Glu36Lys). The glutamic acid residue is moderately conserved and there is a small physicochemical difference between glutamic acid and lysine. This variant is present in population databases (rs766783309, ExAC 0.01%). This variant has not been reported in the literature in individuals with NLRC4-related conditions. Algorithms developed to predict the effect of missense changes on protein structure and function (SIFT, PolyPhen-2, Align-GVGD) all suggest that this variant is likely to be tolerated, but these predictions have not been confirmed by published functional studies and their clinical significance is uncertain. In summary, the available evidence is currently insufficient to determine the role of this variant in disease. Therefore, it has been classified as a Variant of Uncertain Significance.